The following is an entry in ClinVar:

NM_024857.5(ATAD5):c.4301G>C (p.Gly1434Ala)

Gene: ATAD5 (ATPase family AAA domain containing 5; plus strand). Cytogenetic location: 17q11.2.
Variant type: single nucleotide variant.
Coding change: c.4301G>C on transcript NM_024857.5 (MANE Select); coding-DNA position 4301, G replaced by C.
Protein change: p.Gly1434Ala; replaces glycine 1434 with alanine.
Molecular consequence: missense variant.
Genome position (GRCh38, 1-based): chr17:30,892,649, G>C. VCF-style: chr17-30892649-G-C. GRCh37 (hg19) VCF-style: chr17-29219667-G-C.
Other names: c.4301G>C (NM_024857.3); short protein forms G1434A.
Identifiers: ClinVar variation 3048019 (VCV003048019.3), dbSNP rs147538471, ClinGen allele CA8484267.

ClinVar aggregate classification (germline): Uncertain significance. Review status: criteria provided, single submitter (1 of 4 stars). 2 submissions from 2 submitters: Uncertain significance (1). 1 of the submissions does not count toward it. Last evaluated 2024-05-24.

Conditions:
ATAD5-related disorder. Also called: ATAD5-related condition.

Allele frequency attached by ClinVar (database versions not stated): gnomAD exomes 0.00013; ExAC 0.00018; 1000 Genomes Project 30x 0.00031; 1000 Genomes Project 0.00040; gnomAD 0.00054; TOPMed 0.00063; ESP Exome Variant Server 0.00115.
gnomAD v4.1: 268 of 1,593,116 alleles (0.017%); highest among the groups gnomAD compares: African/African-American, 0.18%; no homozygotes.

Submissions (2):

Ambry Genetics
Classification: Uncertain significance. Last evaluated: 2024-05-24. Review status: criteria provided, single submitter. Criteria: Ambry Variant Classification Scheme 2023. Collection method: clinical testing. Allele origin: germline.

PreventionGenetics, part of Exact Sciences
Classification: Likely benign for ATAD5-related condition. Last evaluated: 2023-01-05. Review status: no assertion criteria provided. Collection method: clinical testing. Allele origin: germline. Not counted in ClinVar's aggregate classification.
Comment: This variant is classified as likely benign based on ACMG/AMP sequence variant interpretation guidelines (Richards et al. 2015 PMID: 25741868, with internal and published modifications).